The following is an entry in ClinVar:

NM_017882.3(CLN6):c.*141GT[7]

Gene: CLN6 (CLN6 transmembrane ER protein; minus strand). Cytogenetic location: 15q23.
Variant type: Microsatellite.
Coding change: c.*141GT[7] on transcript NM_017882.3 (MANE Select); seven copies in a row of the 2-base unit GT starting at c.*141; the reference has ten copies in a row; three copies, 6 bases deleted.
Molecular consequence: 3 prime UTR variant.
Genome position (GRCh38, 1-based): chr15:68,207,980-68,207,985, ACACAC deleted on the plus strand (GTGTGT on the coding strand, the reverse complement: CLN6 is on the minus strand); deleting any 6 consecutive bases within chr15:68,207,980-68,207,999 gives the same sequence; the position shown is the placement nearest the transcript's 3' end. VCF-style (leftmost placement, unchanged base first): chr15-68207979-GACACAC-G. GRCh37 (hg19) VCF-style: chr15-68500317-GACACAC-G.
Other names: c.*141GT[7] (NM_001411068.1).
Identifiers: ClinVar variation 3033916 (VCV003033916.2), dbSNP rs3837692, ClinGen allele CA715167097.

ClinVar aggregate classification (germline): Likely benign (0 of 4 stars; one submission).

Conditions:
CLN6-related disorder. Also called: CLN6-related condition.

Submission:

PreventionGenetics, part of Exact Sciences
Classification: Likely benign for CLN6-related condition. Last evaluated: 2021-05-13. Review status: no assertion criteria provided. Collection method: clinical testing. Allele origin: germline.
Comment: This variant is classified as likely benign based on ACMG/AMP sequence variant interpretation guidelines (Richards et al. 2015 PMID: 25741868, with internal and published modifications).